The following is an entry in ClinVar:

NM_006662.3(SRCAP):c.6451C>T (p.Arg2151Cys)

Gene: SRCAP (Snf2 related CREBBP activator protein; plus strand). Cytogenetic location: 16p11.2.
Variant type: single nucleotide variant.
Coding change: c.6451C>T on transcript NM_006662.3 (MANE Select); coding-DNA position 6451, C replaced by T.
Protein change: p.Arg2151Cys; replaces arginine 2151 with cysteine.
Molecular consequence: missense variant.
Genome position (GRCh38, 1-based): chr16:30,733,755, C>T. VCF-style: chr16-30733755-C-T. GRCh37 (hg19) VCF-style: chr16-30745076-C-T.
Other names: short protein forms R2151C.
Identifiers: ClinVar variation 2598186 (VCV002598186.2), dbSNP rs2506711641, ClinGen allele CA395624681.

ClinVar aggregate classification (germline): Uncertain significance (1 of 4 stars; one submission).

Conditions:
Inborn genetic diseases. Identifiers: MedGen C0950123, MeSH D030342.

Allele frequency attached by ClinVar (database versions not stated): gnomAD exomes below 0.00001.
gnomAD v4.1: 1 of 1,614,060 alleles (0.000062%); highest among the groups gnomAD compares: East Asian, 0.0022%; no homozygotes.

Submission:

Ambry Genetics
Classification: Uncertain significance for Inborn genetic diseases. Last evaluated: 2023-09-26. Review status: criteria provided, single submitter. Criteria: Ambry Variant Classification Scheme 2023. Collection method: clinical testing. Allele origin: germline.
Comment: The c.6451C>T (p.R2151C) alteration is located in exon 29 (coding exon 27) of the SRCAP gene. This alteration results from a C to T substitution at nucleotide position 6451, causing the arginine (R) at amino acid position 2151 to be replaced by a cysteine (C). This variant was not reported in population-based cohorts in the Genome Aggregation Database (gnomAD). This amino acid position is well conserved in available vertebrate species. This alteration is predicted to be deleterious by in silico analysis. Based on insufficient or conflicting evidence, the clinical significance of this alteration remains unclear.